The following is an entry in ClinVar:

ClinVar aggregate classification (germline): Uncertain significance. Review status: criteria provided, multiple submitters, no conflicts (2 of 4 stars). 2 submissions from 2 submitters: Uncertain significance (2). Last evaluated 2019-04-19.

gnomAD v4.1: 4 of 1,613,894 alleles (0.00025%); highest among the groups gnomAD compares: East Asian, 0.0045%; no homozygotes.

Submissions (2):

GeneDx
Classification: Uncertain significance. Last evaluated: 2019-04-19. Review status: criteria provided, single submitter. Criteria: GeneDx Variant Classification Process June 2021. Collection method: clinical testing. Allele origin: germline. Affected: yes.
Comment: Not observed in large population cohorts (Lek et al., 2016); Missense variant in a gene in which most reported pathogenic variants are truncating/loss-of-function

Athena Diagnostics
Classification: Uncertain significance. Last evaluated: 2018-10-26. Review status: criteria provided, single submitter. Criteria: Athena Diagnostics Criteria. Collection method: clinical testing. Allele origin: germline.

NM_001267550.2(TTN):c.87785T>C (p.Val29262Ala)

Genes: TTN (titin; minus strand), TTN-AS1 (TTN antisense RNA 1; plus strand). Cytogenetic location: 2q31.2.
Variant type: single nucleotide variant.
Coding change: c.87785T>C on transcript NM_001267550.2 (MANE Select); coding-DNA position 87785, T replaced by C.
Protein change: p.Val29262Ala; replaces valine 29262 with alanine.
Molecular consequence: missense variant.
Genome position (GRCh38, 1-based): chr2:178,557,477, A>G on the plus strand (T>C on the coding strand, the complement: TTN is on the minus strand). VCF-style: chr2-178557477-A-G. GRCh37 (hg19) VCF-style: chr2-179422204-A-G.
Other names: c.82862T>C, p.Val27621Ala (NM_001256850.1); c.60590T>C, p.Val20197Ala (NM_003319.4); c.80081T>C, p.Val26694Ala (NM_133378.4); c.60965T>C, p.Val20322Ala (NM_133432.3); c.61166T>C, p.Val20389Ala (NM_133437.4); short protein forms V29262A, V20197A, V20389A, V26694A, V20322A, V27621A.
Identifiers: ClinVar variation 805730 (VCV000805730.3), dbSNP rs1053653300, ClinGen allele CA349534270.